The following is an entry in ClinVar:

ClinVar aggregate classification (germline): Pathogenic. Review status: criteria provided, multiple submitters, no conflicts (2 of 4 stars). 2 submissions from 2 submitters: Pathogenic (2). Last evaluated 2025-10-22.

Conditions:
Hemochromatosis type 2A (HFE2A). Also called: HJV (HFE2)-Related Juvenile Hemochromatosis; Adult-Onset Hemochromatosis. Identifiers: Orphanet 79230, MedGen C1865614, MONDO:0011216, OMIM 602390.

Allele frequency attached by ClinVar (database versions not stated): gnomAD exomes below 0.00001.

Submissions (2):

Natera, Inc.
Classification: Pathogenic for Hemochromatosis type 2A. Last evaluated: 2025-10-22. Review status: criteria provided, single submitter. Criteria: Natera Variant Classification Schema (03/2026). Collection method: clinical testing. Allele origin: germline.
Comment: The c.81del variant in HJV is a frameshift variant predicted to shift the reading frame beginning at codon 28 and leads to a stop codon 24 codons downstream. This variant is expected to result in nonsense mediated decay, truncation, or a dysfunctional protein product. This variant is rare in the general population with a frequency below the threshold expected for the associated phenotype(s). This variant has been observed in one or more individuals affected with the associated recessive disease, as either homozygous or compound heterozygous with a second variant (PMID: 16424663). Given the available evidence, this variant is classified as Pathogenic.

Labcorp Genetics (formerly Invitae), Labcorp
Classification: Pathogenic. Last evaluated: 2023-08-07. Review status: criteria provided, single submitter. Criteria: Invitae Variant Classification Sherloc (09022015). Collection method: clinical testing. Allele origin: germline.
Comment: This sequence change creates a premature translational stop signal (p.Leu28Serfs*24) in the HJV gene. It is expected to result in an absent or disrupted protein product. Loss-of-function variants in HJV are known to be pathogenic (PMID: 20301349, 22408404). This variant is not present in population databases (gnomAD no frequency). This premature translational stop signal has been observed in individual(s) with hemochromatosis (PMID: 16424663). For these reasons, this variant has been classified as Pathogenic.

Literature cited by the submitters: PubMed 16424663 (cited by Natera, Inc. and Labcorp Genetics (formerly Invitae), Labcorp); PubMed 20301349 (cited by Labcorp Genetics (formerly Invitae), Labcorp); PubMed 22408404 (cited by Labcorp Genetics (formerly Invitae), Labcorp).

NM_213653.4(HJV):c.81del (p.Leu28fs)

Gene: HJV (hemojuvelin BMP co-receptor; minus strand). Cytogenetic location: 1q21.1.
Variant type: Deletion.
Coding change: c.81del on transcript NM_213653.4 (MANE Select); coding-DNA position 81, one base deleted (G; older notation c.81delG).
Protein change: p.Leu28fs; shifts the reading frame from leucine 28.
Molecular consequence: frameshift variant. On other transcripts: 5 prime UTR variant (1), intron variant (3).
Genome position (GRCh38, 1-based): chr1:146,020,151, C deleted on the plus strand (G on the coding strand, the reverse complement: HJV is on the minus strand). VCF-style (leftmost placement, unchanged base first): chr1-146020150-GC-G. GRCh37 (hg19) VCF-style: chr1-145414861-TG-T.
Other names: c.-75del (NM_001316767.2); c.81del, p.Leu28fs (NM_001379352.1); c.-22+1436del (NM_213652.4); c.-58-417del (NM_202004.4); c.-242-417del (NM_145277.5); c.81del (NM_213653.3); short protein forms L28fs.
Identifiers: ClinVar variation 2853350 (VCV002853350.4), dbSNP rs1553769886, ClinGen allele CA916295420.